The following is an entry in ClinVar:

ClinVar aggregate classification (germline): Pathogenic/Likely pathogenic. Review status: criteria provided, multiple submitters, no conflicts (2 of 4 stars). 4 submissions from 4 submitters: Pathogenic (3); Likely pathogenic (1). Last evaluated 2024-03-22.

Conditions:
Hereditary cancer-predisposing syndrome. Also called: Neoplastic Syndromes, Hereditary; Hereditary Cancer Syndrome; Tumor predisposition; Hereditary neoplastic syndrome. Identifiers: Orphanet 140162, MedGen C0027672, MeSH D009386, MONDO:0015356.
Familial cancer of breast. Also called: Hereditary breast cancer; hereditary breast carcinoma; BREAST CANCER, FAMILIAL. Identifiers: Orphanet 227535, MedGen C0346153, MONDO:0016419, OMIM 114480. Disease mechanism: loss of function.

Submissions (4):

Ambry Genetics
Classification: Pathogenic for Hereditary cancer-predisposing syndrome. Last evaluated: 2024-03-22. Review status: criteria provided, single submitter. Criteria: Ambry Variant Classification Scheme 2023. Collection method: clinical testing. Allele origin: germline.
Comment: The c.1096delA pathogenic mutation, located in coding exon 10 of the CHEK2 gene, results from a deletion of one nucleotide at nucleotide position 1096, causing a translational frameshift with a predicted alternate stop codon (p.I366Lfs*16). This alteration is expected to result in loss of function by premature protein truncation or nonsense-mediated mRNA decay. This variant is considered to be rare based on population cohorts in the Genome Aggregation Database (gnomAD). As such, this alteration is interpreted as a disease-causing mutation.

Myriad Genetics, Inc.
Classification: Pathogenic for Familial cancer of breast. Last evaluated: 2023-10-19. Review status: criteria provided, single submitter. Criteria: Myriad Autosomal Dominant, Autosomal Recessive and X-Linked Classification Criteria (2023). Collection method: clinical testing. Allele origin: unknown.
Comment: This variant is considered pathogenic. This variant creates a frameshift predicted to result in premature protein truncation.

Labcorp Genetics (formerly Invitae), Labcorp
Classification: Pathogenic for Familial cancer of breast. Last evaluated: 2019-07-30. Review status: criteria provided, single submitter. Criteria: Invitae Variant Classification Sherloc (09022015). Collection method: clinical testing. Allele origin: germline.
Comment: This sequence change creates a premature translational stop signal (p.Ile366Leufs*16) in the CHEK2 gene. It is expected to result in an absent or disrupted protein product. This variant is not present in population databases (ExAC no frequency). This variant has not been reported in the literature in individuals with CHEK2-related conditions. ClinVar contains an entry for this variant (Variation ID: 545757). Algorithms developed to predict the effect of sequence changes on RNA splicing suggest that this variant may disrupt the consensus splice site, but this prediction has not been confirmed by published transcriptional studies. Loss-of-function variants in CHEK2 are known to be pathogenic (PMID: 21876083, 24713400). For these reasons, this variant has been classified as Pathogenic.

GeneDx
Classification: Likely pathogenic. Last evaluated: 2016-12-19. Review status: criteria provided, single submitter. Criteria: GeneDx Variant Classification (06012015). Collection method: clinical testing. Allele origin: germline. Affected: yes.
Comment: This deletion of one nucleotide in CHEK2 is denoted c.1096delA at the cDNA level and p.Ile366LeufsX16 (I366LfsX16) at the protein level. The normal sequence, with the base that is deleted in brackets, is TTAG[delA]TTAC. The deletion causes a frameshift which changes an Isoleucine to a Leucine at codon 366, and creates a premature stop codon at position 16 of the new reading frame. Although this variant has not, to our knowledge, been reported in the literature, it is predicted to cause loss of normal protein function through either protein truncation or nonsense-mediated mRNA decay. Based on the currently available information, we consider this deletion to be a likely pathogenic variant.

Literature cited by the submitters: PubMed 21876083 (cited by Labcorp Genetics (formerly Invitae), Labcorp); PubMed 24713400 (cited by Labcorp Genetics (formerly Invitae), Labcorp).

NM_007194.4(CHEK2):c.1096del (p.Ile366fs)

Gene: CHEK2 (checkpoint kinase 2; minus strand). Cytogenetic location: 22q12.1.
Variant type: Deletion.
Coding change: c.1096del on transcript NM_007194.4 (MANE Select); coding-DNA position 1096, one base deleted (A; older notation c.1096delA).
Protein change: p.Ile366fs; shifts the reading frame from isoleucine 366.
Molecular consequence: frameshift variant.
Genome position (GRCh38, 1-based): chr22:28,695,873, T deleted on the plus strand (A on the coding strand, the reverse complement: CHEK2 is on the minus strand). VCF-style (leftmost placement, unchanged base first): chr22-28695872-AT-A. GRCh37 (hg19) VCF-style: chr22-29091860-AT-A.
Other names: c.1096del (NM_007194.3); c.1225delA, p.Ile409Leufs (NM_001005735.3); c.433delA, p.Ile145Leufs (NM_001257387.3); c.895delA, p.Ile299Leufs (NM_001349956.3); c.1009delA, p.Ile337Leufs (NM_145862.3); short protein forms I366fs, I299fs, I337fs, I409fs, I145fs.
Identifiers: ClinVar variation 545757 (VCV000545757.12), dbSNP rs1555913941, ClinGen allele CA658824093.